The following is an entry in ClinVar:

ClinVar aggregate classification (germline): Benign (1 of 4 stars; one submission).

Allele frequency attached by ClinVar (database versions not stated): 1000 Genomes Project 0.07708; 1000 Genomes Project 30x 0.07714; gnomAD 0.09353; ESP Exome Variant Server 0.09387; TOPMed 0.09607; gnomAD exomes 0.10188.
gnomAD v4.1: 107,336 of 1,067,824 alleles (10%); highest among the groups gnomAD compares: Admixed American, 14%; 5,704 homozygotes.

Submission:

Unidad de Genómica Garrahan, Hospital de Pediatría Garrahan
Classification: Benign. Last evaluated: 2024-01-24. Review status: criteria provided, single submitter. Criteria: ACMG Guidelines, 2015. Collection method: clinical testing. Allele origin: germline. Affected: no. Observed: 22 variant alleles.
Comment: This variant is classified as Benign based on local population frequency. This variant was detected in 25% of patients studied by a panel of primary immunodeficiencies. Number of patients: 22. Only high quality variants are reported.

NM_001033855.3(DCLRE1C):c.362+86T>C

Gene: DCLRE1C (DNA cross-link repair 1C; minus strand). Cytogenetic location: 10p13.
Variant type: single nucleotide variant.
Coding change: c.362+86T>C on transcript NM_001033855.3 (MANE Select); 86 bases into the intron after coding-DNA position 362, T replaced by C.
Molecular consequence: intron variant.
Genome position (GRCh38, 1-based): chr10:14,936,452, A>G on the plus strand (T>C on the coding strand, the complement: DCLRE1C is on the minus strand). VCF-style: chr10-14936452-A-G. GRCh37 (hg19) VCF-style: chr10-14978451-A-G.
Other names: c.18-888T>C (NM_001350966.2, NM_001289078.2, NM_001289076.2 and 1 more transcripts); c.362+86T>C (NM_001350965.2); c.2+86T>C (NM_001350967.2, NM_001289077.2, NM_001289079.2 and 2 more transcripts).
Identifiers: ClinVar variation 2688476 (VCV002688476.2), dbSNP rs12245497, ClinGen allele CA15645185.